The following is an entry in ClinVar:

ClinVar aggregate classification (germline): Benign (1 of 4 stars; one submission).

Conditions:
Familial cancer of breast. Also called: Hereditary breast cancer; BREAST CANCER, FAMILIAL; hereditary breast carcinoma. Identifiers: Orphanet 227535, MedGen C0346153, MONDO:0016419, OMIM 114480. Disease mechanism: loss of function.

Submission:

Myriad Genetics, Inc.
Classification: Benign for Familial cancer of breast. Last evaluated: 2024-10-07. Review status: criteria provided, single submitter. Criteria: Myriad Autosomal Dominant, Autosomal Recessive and X-Linked Classification Criteria (2023). Collection method: clinical testing. Allele origin: unknown.
Comment: This variant is considered benign. This variant is a silent/synonymous amino acid change and it is not expected to impact splicing.

NM_007194.4(CHEK2):c.1146A>G (p.Arg382=)

Gene: CHEK2 (checkpoint kinase 2; minus strand). Cytogenetic location: 22q12.1.
Variant type: single nucleotide variant.
Coding change: c.1146A>G on transcript NM_007194.4 (MANE Select); coding-DNA position 1146, A replaced by G.
Protein change: p.Arg382=; no amino-acid change (arginine 382 retained).
Molecular consequence: synonymous variant.
Genome position (GRCh38, 1-based): chr22:28,695,823, T>C on the plus strand (A>G on the coding strand, the complement: CHEK2 is on the minus strand). VCF-style: chr22-28695823-T-C. GRCh37 (hg19) VCF-style: chr22-29091811-T-C.
Other names: c.1275A>G, p.Arg425= (NM_001005735.3); c.483A>G, p.Arg161= (NM_001257387.3); c.945A>G, p.Arg315= (NM_001349956.3); c.1059A>G, p.Arg353= (NM_145862.3).
Identifiers: ClinVar variation 3773010 (VCV003773010.1).
Genomic context (GRCh38, chr22:28,695,823, plus strand): 5'-AGCAGTCCCAACAGAAACAAGAACTTCAGGCGCCAAGTAGGTGGGGGTTCCACATAAGGT[T>C]CTCATGAGAGAGGTCTCTCCCAAAATCTTGGAGTGCCCAAAATCAGTAATCTAAAATTCA-3'
Protein context (NP_009125.1, residues 372-392): SKILGETSLM[Arg382=]TLCGTPTYLA